The following is an entry in ClinVar:

ClinVar aggregate classification (germline): Uncertain significance (1 of 4 stars; one submission).

Allele frequency attached by ClinVar (database versions not stated): gnomAD 0.00001; TOPMed 0.00002; ExAC 0.00004; gnomAD exomes 0.00005.
gnomAD v4.1: 30 of 1,604,150 alleles (0.0019%); highest among the groups gnomAD compares: Admixed American, 0.015%; no homozygotes.

Submission:

Labcorp Genetics (formerly Invitae), Labcorp
Classification: Uncertain significance. Last evaluated: 2025-09-27. Review status: criteria provided, single submitter. Criteria: Invitae Variant Classification Sherloc (09022015). Collection method: clinical testing. Allele origin: germline.
Comment: This sequence change replaces valine, which is neutral and non-polar, with methionine, which is neutral and non-polar, at codon 178 of the KANK2 protein (p.Val178Met). This variant is present in population databases (rs201235848, gnomAD 0.05%). This variant has not been reported in the literature in individuals affected with KANK2-related conditions. ClinVar contains an entry for this variant (Variation ID: 1401315). An algorithm developed to predict the effect of missense changes on protein structure and function (PolyPhen-2) suggests that this variant is likely to be disruptive. In summary, the available evidence is currently insufficient to determine the role of this variant in disease. Therefore, it has been classified as a Variant of Uncertain Significance.

NM_001136191.3(KANK2):c.532G>A (p.Val178Met)

Gene: KANK2 (KN motif and ankyrin repeat domains 2; minus strand). Cytogenetic location: 19p13.2.
Variant type: single nucleotide variant.
Coding change: c.532G>A on transcript NM_001136191.3 (MANE Select); coding-DNA position 532, G replaced by A.
Protein change: p.Val178Met; replaces valine 178 with methionine.
Molecular consequence: missense variant.
Genome position (GRCh38, 1-based): chr19:11,193,548, C>T on the plus strand (G>A on the coding strand, the complement: KANK2 is on the minus strand). VCF-style: chr19-11193548-C-T. GRCh37 (hg19) VCF-style: chr19-11304224-C-T.
Other names: c.532G>A, p.Val178Met (NM_001329451.2, NM_001379548.1, NM_001379549.1 and 15 more transcripts); short protein forms V178M.
Identifiers: ClinVar variation 1401315 (VCV001401315.6), dbSNP rs201235848, ClinGen allele CA9206036.